The following is an entry in ClinVar:

NM_182961.4(SYNE1):c.7350+156A>C

Gene: SYNE1 (spectrin repeat containing nuclear envelope protein 1; minus strand). Cytogenetic location: 6q25.2.
Variant type: single nucleotide variant.
Coding change: c.7350+156A>C on transcript NM_182961.4 (MANE Select); 156 bases into the intron after coding-DNA position 7350, A replaced by C.
Molecular consequence: intron variant.
Genome position (GRCh38, 1-based): chr6:152,398,463, T>G on the plus strand (A>C on the coding strand, the complement: SYNE1 is on the minus strand). VCF-style: chr6-152398463-T-G. GRCh37 (hg19) VCF-style: chr6-152719598-T-G.
Other names: c.7371+156A>C (NM_033071.5).
Identifiers: ClinVar variation 677365 (VCV000677365.2), dbSNP rs2068727, ClinGen allele CA150195775.

ClinVar aggregate classification (germline): Likely benign. Review status: criteria provided, multiple submitters, no conflicts (2 of 4 stars). 2 submissions from 2 submitters: Likely benign (2). Last evaluated 2018-06-19.

Allele frequency attached by ClinVar (database versions not stated): 1000 Genomes Project 30x 0.01608; 1000 Genomes Project 0.01677; TOPMed 0.02247; gnomAD 0.02277.
gnomAD v4.1: 3,442 of 152,356 alleles (2.3%); highest among the groups gnomAD compares: Non-Finnish European, 3.5%; 50 homozygotes.

Submissions (2):

GeneDx
Classification: Likely benign. Last evaluated: 2018-06-19. Review status: criteria provided, single submitter. Criteria: GeneDx Variant Classification (06012015). Collection method: clinical testing. Allele origin: germline. Affected: yes.
Comment: This variant is considered likely benign or benign based on one or more of the following criteria: it is a conservative change, it occurs at a poorly conserved position in the protein, it is predicted to be benign by multiple in silico algorithms, and/or has population frequency not consistent with disease.

Breakthrough Genomics
Classification: Likely benign. Review status: criteria provided, single submitter. Criteria: ACMG Guidelines, 2015. Collection method: not provided. Allele origin: germline. Inheritance: Autosomal recessive inheritance. Affected: yes.